The following is an entry in ClinVar:

ClinVar aggregate classification (germline): Benign. Review status: criteria provided, multiple submitters, no conflicts (2 of 4 stars). 4 submissions from 4 submitters: Benign (4). Last evaluated 2026-01-30.

Conditions:
Goldberg-Shprintzen syndrome. Identifiers: Orphanet 66629, MedGen C1836123, MONDO:0012280, OMIM 609460.

Allele frequency attached by ClinVar (database versions not stated): TOPMed 0.06217; ESP Exome Variant Server 0.06366; 1000 Genomes Project 30x 0.06512; gnomAD exomes 0.00529 and 0.01403; ExAC 0.01717; gnomAD 0.05556 and 0.05950; 1000 Genomes Project 0.06110.
gnomAD v4.1: 16,567 of 1,613,426 alleles (1%); highest among the groups gnomAD compares: African/African-American, 19%; 1,459 homozygotes.

Submissions (4):

Labcorp Genetics (formerly Invitae), Labcorp
Classification: Benign. Last evaluated: 2026-01-30. Review status: criteria provided, single submitter. Criteria: Invitae Variant Classification Sherloc (09022015). Collection method: clinical testing. Allele origin: germline.

Illumina Laboratory Services, Illumina
Classification: Benign for Goldberg-Shprintzen syndrome. Last evaluated: 2018-01-13. Review status: criteria provided, single submitter. Criteria: ICSL Variant Classification Criteria 13 December 2019. Collection method: clinical testing. Allele origin: germline.
Comment: This variant was observed in the ICSL laboratory as part of a predisposition screen in an ostensibly healthy population. It had not been previously curated by ICSL or reported in the Human Gene Mutation Database (HGMD: prior to June 1st, 2018), and was therefore a candidate for classification through an automated scoring system. Utilizing variant allele frequency, disease prevalence and penetrance estimates, and inheritance mode, an automated score was calculated to assess if this variant is too frequent to cause the disease. Based on the score and internal cut-off values, a variant classified as benign is not then subjected to further curation. The score for this variant resulted in a classification of benign for this disease.

GeneDx
Classification: Benign. Last evaluated: 2016-03-02. Review status: criteria provided, single submitter. Criteria: GeneDx Variant Classification (06012015). Collection method: clinical testing. Allele origin: germline. Affected: yes.
Comment: This variant is considered likely benign or benign based on one or more of the following criteria: it is a conservative change, it occurs at a poorly conserved position in the protein, it is predicted to be benign by multiple in silico algorithms, and/or has population frequency not consistent with disease.

Genetic Services Laboratory, University of Chicago
Classification: Benign. Last evaluated: 2013-02-08. Review status: criteria provided, single submitter. Criteria: ACMG Guidelines, 2007. Collection method: clinical testing. Allele origin: germline. Inheritance: Autosomal dominant inheritance.

NM_015634.4(KIFBP):c.1023G>A (p.Gln341=)

Gene: KIFBP (kinesin family binding protein; plus strand). Cytogenetic location: 10q22.1.
Variant type: single nucleotide variant.
Coding change: c.1023G>A on transcript NM_015634.4 (MANE Select); coding-DNA position 1023, G replaced by A.
Protein change: p.Gln341=; no amino-acid change (glutamine 341 retained).
Molecular consequence: synonymous variant.
Genome position (GRCh38, 1-based): chr10:69,015,573, G>A. VCF-style: chr10-69015573-G-A. GRCh37 (hg19) VCF-style: chr10-70775329-G-A.
Identifiers: ClinVar variation 158692 (VCV000158692.16), dbSNP rs16926021, ClinGen allele CA172367.